The following is an entry in ClinVar:

NC_000015.10:g.84816986C>A

Gene: ALPK3 (alpha kinase 3; plus strand). Cytogenetic location: 15q25.3.
Variant type: single nucleotide variant.
Genome position: GRCh38 VCF-style: chr15-84816986-C-A. GRCh37 (hg19) VCF-style: chr15-85360217-C-A.
Other names: short protein forms A47E.
Identifiers: ClinVar variation 1372054 (VCV001372054.8), dbSNP rs1369786736, ClinGen allele CA393368277.

ClinVar aggregate classification (germline): Uncertain significance. Review status: criteria provided, multiple submitters, no conflicts (2 of 4 stars). 2 submissions from 2 submitters: Uncertain significance (2). Last evaluated 2023-03-26.

Conditions:
Cardiovascular phenotype. Identifiers: MedGen CN230736.

Allele frequency attached by ClinVar (database versions not stated): gnomAD exomes 0.00001.

Submissions (2):

Labcorp Genetics (formerly Invitae), Labcorp
Classification: Uncertain significance. Last evaluated: 2023-03-26. Review status: criteria provided, single submitter. Criteria: Invitae Variant Classification Sherloc (09022015). Collection method: clinical testing. Allele origin: germline.
Comment: This variant is present in population databases (no rsID available, gnomAD 0.02%). In summary, the available evidence is currently insufficient to determine the role of this variant in disease. Therefore, it has been classified as a Variant of Uncertain Significance. An algorithm developed to predict the effect of missense changes on protein structure and function (PolyPhen-2) suggests that this variant is likely to be disruptive. ClinVar contains an entry for this variant (Variation ID: 1372054). This variant has not been reported in the literature in individuals affected with ALPK3-related conditions. This sequence change replaces alanine, which is neutral and non-polar, with glutamic acid, which is acidic and polar, at codon 47 of the ALPK3 protein (p.Ala47Glu).

Ambry Genetics
Classification: Uncertain significance for Cardiovascular phenotype. Last evaluated: 2020-05-15. Review status: criteria provided, single submitter. Criteria: Ambry Variant Classification Scheme 2023. Collection method: clinical testing. Allele origin: germline.
Comment: The p.A47E variant (also known as c.140C>A), located in coding exon 1 of the ALPK3 gene, results from a C to A substitution at nucleotide position 140. The alanine at codon 47 is replaced by glutamic acid, an amino acid with dissimilar properties. This amino acid position is well conserved in available vertebrate species. In addition, this alteration is predicted to be tolerated by in silico analysis. Since supporting evidence is limited at this time, the clinical significance of this alteration remains unclear.